The following is an entry in ClinVar:

NM_032444.4(SLX4):c.4841G>A (p.Ser1614Asn)

Gene: SLX4 (SLX4 structure-specific endonuclease subunit; minus strand). Cytogenetic location: 16p13.3.
Variant type: single nucleotide variant.
Coding change: c.4841G>A on transcript NM_032444.4 (MANE Select); coding-DNA position 4841, G replaced by A.
Protein change: p.Ser1614Asn; replaces serine 1614 with asparagine.
Molecular consequence: missense variant.
Genome position (GRCh38, 1-based): chr16:3,583,409, C>T on the plus strand (G>A on the coding strand, the complement: SLX4 is on the minus strand). VCF-style: chr16-3583409-C-T. GRCh37 (hg19) VCF-style: chr16-3633410-C-T.
Other names: short protein forms S1614N.
Identifiers: ClinVar variation 3666628 (VCV003666628.2).

ClinVar aggregate classification (germline): Uncertain significance (1 of 4 stars; one submission).

Conditions:
Fanconi anemia (FA). Also called: Fanconi's anemia. Identifiers: Orphanet 84, MedGen C0015625, MeSH D005199, MONDO:0019391.

Submission:

Labcorp Genetics (formerly Invitae), Labcorp
Classification: Uncertain significance for Fanconi anemia. Last evaluated: 2024-03-12. Review status: criteria provided, single submitter. Criteria: Invitae Variant Classification Sherloc (09022015). Collection method: clinical testing. Allele origin: germline.
Comment: This sequence change replaces serine, which is neutral and polar, with asparagine, which is neutral and polar, at codon 1614 of the SLX4 protein (p.Ser1614Asn). This variant is not present in population databases (gnomAD no frequency). This variant has not been reported in the literature in individuals affected with SLX4-related conditions. An algorithm developed to predict the effect of missense changes on protein structure and function (PolyPhen-2) suggests that this variant is likely to be tolerated. In summary, the available evidence is currently insufficient to determine the role of this variant in disease. Therefore, it has been classified as a Variant of Uncertain Significance.